The following is an entry in ClinVar:

ClinVar aggregate classification (germline): Uncertain significance (1 of 4 stars; one submission).

Allele frequency attached by ClinVar (database versions not stated): gnomAD exomes below 0.00001.
gnomAD v4.1: 3 of 1,613,994 alleles (0.00019%); highest among the groups gnomAD compares: Non-Finnish European, 0.00025%; no homozygotes.

Submission:

Labcorp Genetics (formerly Invitae), Labcorp
Classification: Uncertain significance. Last evaluated: 2021-02-17. Review status: criteria provided, single submitter. Criteria: Invitae Variant Classification Sherloc (09022015). Collection method: clinical testing. Allele origin: germline.
Comment: In summary, the available evidence is currently insufficient to determine the role of this variant in disease. Therefore, it has been classified as a Variant of Uncertain Significance. Algorithms developed to predict the effect of missense changes on protein structure and function are either unavailable or do not agree on the potential impact of this missense change (SIFT: "Deleterious"; PolyPhen-2: "Probably Damaging"; Align-GVGD: "Class C15"). This variant has not been reported in the literature in individuals with DHX38-related conditions. This variant is not present in population databases (ExAC no frequency). This sequence change replaces aspartic acid with asparagine at codon 677 of the DHX38 protein (p.Asp677Asn). The aspartic acid residue is highly conserved and there is a small physicochemical difference between aspartic acid and asparagine.

NM_014003.4(DHX38):c.2029G>A (p.Asp677Asn)

Gene: DHX38 (DEAH-box helicase 38; plus strand). Cytogenetic location: 16q22.2.
Variant type: single nucleotide variant.
Coding change: c.2029G>A on transcript NM_014003.4 (MANE Select); coding-DNA position 2029, G replaced by A.
Protein change: p.Asp677Asn; replaces aspartic acid 677 with asparagine.
Molecular consequence: missense variant.
Genome position (GRCh38, 1-based): chr16:72,104,504, G>A. VCF-style: chr16-72104504-G-A. GRCh37 (hg19) VCF-style: chr16-72138403-G-A.
Other names: short protein forms D677N.
Identifiers: ClinVar variation 1525422 (VCV001525422.8), dbSNP rs778058374, ClinGen allele CA396710576.
Genomic context (GRCh38, chr16:72,104,504, plus strand): 5'-GGGTCCCCACCATGGGGGCCTCCGAGCCGCCTCTTCTCTCAGGTAGTGGCTCGGCGCTCA[G>A]ACCTGAAGCTCATCGTCACATCAGCCACGATGGATGCGGAGAAGTTTGCTGCCTTTTTTG-3'
Protein context (NP_054722.2, residues 667-687): LLREVVARRS[Asp677Asn]LKLIVTSATM